The following is an entry in ClinVar:

ClinVar aggregate classification (germline): Likely benign (1 of 4 stars; one submission).

Allele frequency attached by ClinVar (database versions not stated): 1000 Genomes Project 0.00040; 1000 Genomes Project 30x 0.00047; gnomAD 0.00080; TOPMed 0.00083; ExAC 0.00109; gnomAD exomes 0.00116.
gnomAD v4.1: 467 of 451,704 alleles (0.1%); highest among the groups gnomAD compares: Middle Eastern, 0.4%; 3 homozygotes.

Submission:

CeGaT Center for Human Genetics Tuebingen
Classification: Likely benign. Last evaluated: 2023-07-01. Review status: criteria provided, single submitter. Criteria: CeGaT Center For Human Genetics Tuebingen Variant Classification Criteria Version 2. Collection method: clinical testing. Allele origin: germline. Affected: yes. Observed: 1 variant allele.
Comment: HMCN2: BS2

NM_001291815.2(HMCN2):c.1276+1G>A

Gene: HMCN2 (hemicentin 2; plus strand). Cytogenetic location: 9q34.11.
Variant type: single nucleotide variant.
Coding change: c.1276+1G>A on transcript NM_001291815.2 (MANE Select); the canonical splice donor site of the intron after coding-DNA position 1276, G replaced by A.
Molecular consequence: splice donor variant.
Genome position (GRCh38, 1-based): chr9:130,299,289, G>A. VCF-style: chr9-130299289-G-A. GRCh37 (hg19) VCF-style: chr9-133061568-G-A.
Identifiers: ClinVar variation 2659581 (VCV002659581.24), dbSNP rs555194710, ClinGen allele CA5281872.
Genomic context (GRCh38, chr9:130,299,289, plus strand): 5'-ACCATGAGGGAAACCCCCTCCTTCGTGTCTCTGGAGTGTCCTACAGTGGGGTGGCCCCAG[G>A]TGAGTGGTTGGCTCTTTTGTCTCCCAGGCCCCTGGCTCATTCAGAGTCCCATTTCATCCT-3'